The following is an entry in ClinVar:

NM_001370259.2(MEN1):c.784-8G>T

Gene: MEN1 (menin 1; minus strand). Cytogenetic location: 11q13.1.
Variant type: single nucleotide variant.
Coding change: c.784-8G>T on transcript NM_001370259.2 (MANE Select); 8 bases into the intron before coding-DNA position 784, G replaced by T.
Molecular consequence: intron variant.
Genome position (GRCh38, 1-based): chr11:64,807,227, C>A on the plus strand (G>T on the coding strand, the complement: MEN1 is on the minus strand). VCF-style: chr11-64807227-C-A. GRCh37 (hg19) VCF-style: chr11-64574699-C-A.
Other names: c.799-8G>T (NM_130804.3, NM_130803.3, NM_000244.4 and 3 more transcripts); c.784-8G>T (NM_130799.3, NM_001370260.2, NM_001370251.2 and 1 more transcripts); c.679-8G>T (NM_001370263.2, NM_001370262.2).
Identifiers: ClinVar variation 1558766 (VCV001558766.9), dbSNP rs766553550, ClinGen allele CA061597.

ClinVar aggregate classification (germline): Likely benign. Review status: criteria provided, multiple submitters, no conflicts (2 of 4 stars). 2 submissions from 2 submitters: Likely benign (2). Last evaluated 2023-12-13.

Conditions:
Multiple endocrine neoplasia, type 1 (MEN1). Also called: MEA I; MEN I; WERMER SYNDROME; Endocrine adenomatosis multiple; MEN 1. Identifiers: Orphanet 652, MedGen C0025267, MeSH D018761, MONDO:0007540, OMIM 131100.

Allele frequency attached by ClinVar (database versions not stated): gnomAD exomes below 0.00001; ExAC 0.00001.

Submissions (2):

All of Us Research Program, National Institutes of Health
Classification: Likely benign for Multiple endocrine neoplasia, type 1. Last evaluated: 2023-12-13. Review status: criteria provided, single submitter. Criteria: ACMG Guidelines, 2015. Collection method: clinical testing. Allele origin: germline. Inheritance: Autosomal dominant inheritance. Observed: 1 variant allele, 1 heterozygote.
Comment: This study involves interpretation of variants in research participants for the purpose of population health screening. Participant phenotype was not available at the time of variant classification. Additional details can be found in publication PMID: 35346344, PMCID: PMC8962531

Labcorp Genetics (formerly Invitae), Labcorp
Classification: Likely benign for Multiple endocrine neoplasia, type 1. Last evaluated: 2022-06-19. Review status: criteria provided, single submitter. Criteria: Invitae Variant Classification Sherloc (09022015). Collection method: clinical testing. Allele origin: germline.